The following is an entry in ClinVar:

ClinVar aggregate classification (germline): Uncertain significance (1 of 4 stars; one submission).

Conditions:
Hypertrophic cardiomyopathy. Also called: HYPERTROPHIC MYOCARDIOPATHY. Identifiers: Orphanet 217569, MedGen C0007194, MeSH D002312, MONDO:0005045, HP:0001639.

Allele frequency attached by ClinVar (database versions not stated): gnomAD exomes below 0.00001.
gnomAD v4.1: 1 of 1,614,208 alleles (0.000062%); highest among the groups gnomAD compares: Non-Finnish European, 0.000085%; no homozygotes.

Submission:

Labcorp Genetics (formerly Invitae), Labcorp
Classification: Uncertain significance for Hypertrophic cardiomyopathy. Last evaluated: 2024-06-22. Review status: criteria provided, single submitter. Criteria: Invitae Variant Classification Sherloc (09022015). Collection method: clinical testing. Allele origin: germline.
Comment: This sequence change replaces glutamine, which is neutral and polar, with arginine, which is basic and polar, at codon 789 of the MYH7 protein (p.Gln789Arg). This variant is not present in population databases (gnomAD no frequency). This variant has not been reported in the literature in individuals affected with MYH7-related conditions. ClinVar contains an entry for this variant (Variation ID: 2111798). Advanced modeling of protein sequence and biophysical properties (such as structural, functional, and spatial information, amino acid conservation, physicochemical variation, residue mobility, and thermodynamic stability) performed at Invitae indicates that this missense variant is expected to disrupt MYH7 protein function with a positive predictive value of 95%. This variant is found within a region of MYH7 between codons 181 and 937 that contains the majority of the myosin head domain. Missense variants in this region have been shown to be significantly overrepresented in individuals with hypertrophic cardiomyopathy (PMID: 27532257). In summary, the available evidence is currently insufficient to determine the role of this variant in disease. Therefore, it has been classified as a Variant of Uncertain Significance.

Literature cited by the submitters: PubMed 27532257.

NM_000257.4(MYH7):c.2366A>G (p.Gln789Arg)

Genes: MYH7 (myosin heavy chain 7; minus strand), LOC126861898 (BRD4-independent group 4 enhancer GRCh37_chr14:23893609-23894808; plus strand). Cytogenetic location: 14q11.2.
Variant type: single nucleotide variant.
Coding change: c.2366A>G on transcript NM_000257.4 (MANE Select); coding-DNA position 2366, A replaced by G.
Protein change: p.Gln789Arg; replaces glutamine 789 with arginine.
Molecular consequence: missense variant.
Genome position (GRCh38, 1-based): chr14:23,425,339, T>C on the plus strand (A>G on the coding strand, the complement: MYH7 is on the minus strand). VCF-style: chr14-23425339-T-C. GRCh37 (hg19) VCF-style: chr14-23894548-T-C.
Other names: c.2366A>G, p.Gln789Arg (NM_001407004.1); short protein forms Q789R.
Identifiers: ClinVar variation 2111798 (VCV002111798.4), dbSNP rs2502285881, ClinGen allele CA389048566.